The following is an entry in ClinVar:

NM_000059.4(BRCA2):c.1910-521C>A

Gene: BRCA2 (BRCA2 DNA repair associated; plus strand). Cytogenetic location: 13q13.1.
Variant type: single nucleotide variant.
Coding change: c.1910-521C>A on transcript NM_000059.4 (MANE Select); 521 bases into the intron before coding-DNA position 1910, C replaced by A.
Molecular consequence: intron variant.
Genome position (GRCh38, 1-based): chr13:32,335,744, C>A. VCF-style: chr13-32335744-C-A. GRCh37 (hg19) VCF-style: chr13-32909881-C-A.
Identifiers: ClinVar variation 264954 (VCV000264954.1), dbSNP rs556019160, ClinGen allele CA10588092.

ClinVar aggregate classification (germline): Benign (3 of 4 stars; one submission).

Conditions:
Breast-ovarian cancer, familial, susceptibility to, 2 (BROVCA2). Also called: BRCA2 Hereditary Breast and Ovarian Cancer. Identifiers: Orphanet 145, MedGen C2675520, MONDO:0012933, OMIM 612555. Disease mechanism: loss of function.

Allele frequency attached by ClinVar (database versions not stated): gnomAD 0.00389 and 0.00401; TOPMed 0.00495; 1000 Genomes Project 0.00779; 1000 Genomes Project 30x 0.00843.
gnomAD v4.1: 585 of 151,992 alleles (0.38%); highest among the groups gnomAD compares: African/African-American, 1.2%; 7 homozygotes.

Submission:

Evidence-based Network for the Interpretation of Germline Mutant Alleles (ENIGMA)
Classification: Benign for Breast-ovarian cancer, familial, susceptibility to, 2. Last evaluated: 2016-09-28. Review status: reviewed by expert panel. Criteria: ENIGMA BRCA1/2 Classification Criteria (2015). Collection method: curation. Allele origin: germline.
Comment: Class 1 not pathogenic based on frequency >1% in an outbred sampleset. Frequency 0.0272 (African), derived from 1000 genomes (2013-05-02).